The following is an entry in ClinVar:

NM_002047.4(GARS1):c.1010G>A (p.Arg337Gln)

Gene: GARS1 (glycyl-tRNA synthetase 1; plus strand). Cytogenetic location: 7p14.3.
Variant type: single nucleotide variant.
Coding change: c.1010G>A on transcript NM_002047.4 (MANE Select); coding-DNA position 1010, G replaced by A.
Protein change: p.Arg337Gln; replaces arginine 337 with glutamine.
Molecular consequence: missense variant.
Genome position (GRCh38, 1-based): chr7:30,612,224, G>A. VCF-style: chr7-30612224-G-A. GRCh37 (hg19) VCF-style: chr7-30651840-G-A.
Other names: c.848G>A, p.Arg283Gln (NM_001316772.1); short protein forms R283Q, R337Q.
Identifiers: ClinVar variation 1800084 (VCV001800084.5), dbSNP rs1275023981, ClinGen allele CA367125549.
Genomic context (GRCh38, chr7:30,612,224, plus strand): 5'-GAAAGTTGCCTTTTGCTGCTGCCCAGATTGGAAATTCTTTTAGAAATGAGATCTCCCCTC[G>A]ATCTGGACTGATCAGAGTCAGGTACTGCTCAGGTTACTCTTACAAATTAGTGAATGACCT-3'
Protein context (NP_002038.2, residues 327-347): GNSFRNEISP[Arg337Gln]SGLIRVREFT

ClinVar aggregate classification (germline): Uncertain significance. Review status: criteria provided, multiple submitters, no conflicts (2 of 4 stars). 2 submissions from 2 submitters: Uncertain significance (2). Last evaluated 2024-09-12.

Conditions:
Charcot-Marie-Tooth disease type 2. Also called: Charcot-Marie-Tooth type 2. Identifiers: Orphanet 64746, MedGen C0270914, MONDO:0018993.

Allele frequency attached by ClinVar (database versions not stated): TOPMed below 0.00001.
gnomAD v4.1: 7 of 1,614,098 alleles (0.00043%); highest among the groups gnomAD compares: South Asian, 0.0011%; no homozygotes.

Submissions (2):

Labcorp Genetics (formerly Invitae), Labcorp
Classification: Uncertain significance for Charcot-Marie-Tooth disease type 2. Last evaluated: 2024-09-12. Review status: criteria provided, single submitter. Criteria: Invitae Variant Classification Sherloc (09022015). Collection method: clinical testing. Allele origin: germline.
Comment: This sequence change replaces arginine, which is basic and polar, with glutamine, which is neutral and polar, at codon 337 of the GARS protein (p.Arg337Gln). This variant is present in population databases (no rsID available, gnomAD 0.0009%). This variant has not been reported in the literature in individuals affected with GARS-related conditions. ClinVar contains an entry for this variant (Variation ID: 1800084). Invitae Evidence Modeling of protein sequence and biophysical properties (such as structural, functional, and spatial information, amino acid conservation, physicochemical variation, residue mobility, and thermodynamic stability) indicates that this missense variant is not expected to disrupt GARS protein function with a negative predictive value of 80%. In summary, the available evidence is currently insufficient to determine the role of this variant in disease. Therefore, it has been classified as a Variant of Uncertain Significance.

Ambry Genetics
Classification: Uncertain significance. Last evaluated: 2022-04-07. Review status: criteria provided, single submitter. Criteria: Ambry Variant Classification Scheme 2023. Collection method: clinical testing. Allele origin: germline.
Comment: The p.R337Q variant (also known as c.1010G>A), located in coding exon 8 of the GARS gene, results from a G to A substitution at nucleotide position 1010. The arginine at codon 337 is replaced by glutamine, an amino acid with highly similar properties. This amino acid position is conserved. In addition, this alteration is predicted to be deleterious by in silico analysis. Since supporting evidence is limited at this time, the clinical significance of this alteration remains unclear.